The following is an entry in ClinVar:

NM_001349253.2(SCN11A):c.4247A>G (p.Lys1416Arg)

Gene: SCN11A (sodium voltage-gated channel alpha subunit 11; minus strand). Cytogenetic location: 3p22.2.
Variant type: single nucleotide variant.
Coding change: c.4247A>G on transcript NM_001349253.2 (MANE Select); coding-DNA position 4247, A replaced by G.
Protein change: p.Lys1416Arg; replaces lysine 1416 with arginine.
Molecular consequence: missense variant.
Genome position (GRCh38, 1-based): chr3:38,850,561, T>C on the plus strand (A>G on the coding strand, the complement: SCN11A is on the minus strand). VCF-style: chr3-38850561-T-C. GRCh37 (hg19) VCF-style: chr3-38892052-T-C.
Other names: c.4247A>G, p.Lys1416Arg (NM_014139.3); short protein forms K1416R.
Identifiers: ClinVar variation 1739036 (VCV001739036.4), dbSNP rs769235015, ClinGen allele CA2321567.
Genomic context (GRCh38, chr3:38,850,561, plus strand): 5'-ACCACACAGTCAAATAAATTCCAGCCATTGGTGAAGTAGTATTGCCTCAAAGCAAAGATT[T>C]TGATGAGACATTCTAACGTAAAGATGACCACAAAGACCCAGTTGAGATGGTCAAGGATGG-3'
Protein context (NP_001336182.1, residues 1406-1426): VVIFTLECLI[Lys1416Arg]IFALRQYYFT

ClinVar aggregate classification (germline): Uncertain significance. Review status: criteria provided, multiple submitters, no conflicts (2 of 4 stars). 2 submissions from 2 submitters: Uncertain significance (2). Last evaluated 2024-03-17.

Conditions:
Inborn genetic diseases. Identifiers: MedGen C0950123, MeSH D030342.
Hereditary sensory and autonomic neuropathy type 7. Also called: Neuropathy, hereditary sensory and autonomic, type VII; HSAN VII. Identifiers: Orphanet 391397, MedGen C3809882, MONDO:0014244, OMIM 615548.
Familial episodic pain syndrome with predominantly lower limb involvement. Also called: Episodic pain syndrome, familial, 3. Identifiers: Orphanet 391384, Orphanet 391392, MedGen C3809899, MONDO:0014247, OMIM 615552.

Allele frequency attached by ClinVar (database versions not stated): gnomAD exomes 0.00001; ExAC 0.00004; gnomAD 0.00004; TOPMed 0.00005.
gnomAD v4.1: 15 of 1,613,806 alleles (0.00093%); highest among the groups gnomAD compares: African/African-American, 0.012%; no homozygotes.

Submissions (2):

Labcorp Genetics (formerly Invitae), Labcorp
Classification: Uncertain significance for Familial episodic pain syndrome with predominantly lower limb involvement; Hereditary sensory and autonomic neuropathy type 7. Last evaluated: 2024-03-17. Review status: criteria provided, single submitter. Criteria: Invitae Variant Classification Sherloc (09022015). Collection method: clinical testing. Allele origin: germline.
Comment: This sequence change replaces lysine, which is basic and polar, with arginine, which is basic and polar, at codon 1416 of the SCN11A protein (p.Lys1416Arg). This variant is present in population databases (rs769235015, gnomAD 0.007%). This variant has not been reported in the literature in individuals affected with SCN11A-related conditions. ClinVar contains an entry for this variant (Variation ID: 1739036). Advanced modeling of protein sequence and biophysical properties (such as structural, functional, and spatial information, amino acid conservation, physicochemical variation, residue mobility, and thermodynamic stability) has been performed at Invitae for this missense variant, however the output from this modeling did not meet the statistical confidence thresholds required to predict the impact of this variant on SCN11A protein function. In summary, the available evidence is currently insufficient to determine the role of this variant in disease. Therefore, it has been classified as a Variant of Uncertain Significance.

Ambry Genetics
Classification: Uncertain significance for Inborn genetic diseases. Last evaluated: 2021-06-12. Review status: criteria provided, single submitter. Criteria: Ambry Variant Classification Scheme 2023. Collection method: clinical testing. Allele origin: germline.
Comment: The p.K1416R variant (also known as c.4247A>G), located in coding exon 25 of the SCN11A gene, results from an A to G substitution at nucleotide position 4247. The lysine at codon 1416 is replaced by arginine, an amino acid with highly similar properties. This amino acid position is conserved. In addition, this alteration is predicted to be deleterious by in silico analysis. Since supporting evidence is limited at this time, the clinical significance of this alteration remains unclear.